The following is an entry in ClinVar:

NM_002637.4(PHKA1):c.1222A>T (p.Ile408Phe)

Gene: PHKA1 (phosphorylase kinase regulatory subunit alpha 1; minus strand). Cytogenetic location: Xq13.1.
Variant type: single nucleotide variant.
Coding change: c.1222A>T on transcript NM_002637.4 (MANE Select); coding-DNA position 1222, A replaced by T.
Protein change: p.Ile408Phe; replaces isoleucine 408 with phenylalanine.
Molecular consequence: missense variant.
Genome position (GRCh38, 1-based): chrX:72,652,567, T>A on the plus strand (A>T on the coding strand, the complement: PHKA1 is on the minus strand). VCF-style: chrX-72652567-T-A. GRCh37 (hg19) VCF-style: chrX-71872417-T-A.
Other names: c.1222A>T, p.Ile408Phe (NM_001122670.2, NM_001172436.2); short protein forms I408F.
Identifiers: ClinVar variation 1446684 (VCV001446684.6), dbSNP rs2147760351, ClinGen allele CA413593052.

ClinVar aggregate classification (germline): Uncertain significance (1 of 4 stars; one submission).

Conditions:
Glycogen storage disease IXd (GSD9D). Also called: GSD IXd; Muscle Phosphorylase Kinase Deficiency. Identifiers: Orphanet 715, MedGen C1845151, MONDO:0010362, OMIM 300559.

Submission:

Labcorp Genetics (formerly Invitae), Labcorp
Classification: Uncertain significance for Glycogen storage disease IXd. Last evaluated: 2021-10-05. Review status: criteria provided, single submitter. Criteria: Invitae Variant Classification Sherloc (09022015). Collection method: clinical testing. Allele origin: germline.
Comment: This sequence change replaces isoleucine with phenylalanine at codon 408 of the PHKA1 protein (p.Ile408Phe). The isoleucine residue is moderately conserved and there is a small physicochemical difference between isoleucine and phenylalanine. This variant is not present in population databases (ExAC no frequency). This variant has not been reported in the literature in individuals affected with PHKA1-related conditions. Algorithms developed to predict the effect of missense changes on protein structure and function are either unavailable or do not agree on the potential impact of this missense change (SIFT: "Deleterious"; PolyPhen-2: "Possibly Damaging"; Align-GVGD: "Class C0"). In summary, the available evidence is currently insufficient to determine the role of this variant in disease. Therefore, it has been classified as a Variant of Uncertain Significance.